The following is an entry in ClinVar:

ClinVar aggregate classification (germline): Uncertain significance (1 of 4 stars; one submission).

Submission:

Labcorp Genetics (formerly Invitae), Labcorp
Classification: Uncertain significance. Last evaluated: 2025-02-26. Review status: criteria provided, single submitter. Criteria: Invitae Variant Classification Sherloc (09022015). Collection method: clinical testing. Allele origin: germline.
Comment: This sequence change replaces alanine, which is neutral and non-polar, with glycine, which is neutral and non-polar, at codon 23 of the GRIN2D protein (p.Ala23Gly). The frequency data for this variant in the population databases is considered unreliable, as metrics indicate insufficient coverage at this position in the gnomAD database. This variant has not been reported in the literature in individuals affected with GRIN2D-related conditions. Invitae Evidence Modeling of protein sequence and biophysical properties (such as structural, functional, and spatial information, amino acid conservation, physicochemical variation, residue mobility, and thermodynamic stability) indicates that this missense variant is not expected to disrupt GRIN2D protein function with a negative predictive value of 95%. In summary, the available evidence is currently insufficient to determine the role of this variant in disease. Therefore, it has been classified as a Variant of Uncertain Significance.

NM_000836.4(GRIN2D):c.68C>G (p.Ala23Gly)

Gene: GRIN2D (glutamate ionotropic receptor NMDA type subunit 2D; plus strand). Cytogenetic location: 19q13.33.
Variant type: single nucleotide variant.
Coding change: c.68C>G on transcript NM_000836.4 (MANE Select); coding-DNA position 68, C replaced by G.
Protein change: p.Ala23Gly; replaces alanine 23 with glycine.
Molecular consequence: missense variant.
Genome position (GRCh38, 1-based): chr19:48,398,460, C>G. VCF-style: chr19-48398460-C-G. GRCh37 (hg19) VCF-style: chr19-48901717-C-G.
Other names: short protein forms A23G.
Identifiers: ClinVar variation 4765994 (VCV004765994.1).